The following is an entry in ClinVar:

ClinVar aggregate classification (germline): Uncertain significance. Review status: criteria provided, multiple submitters, no conflicts (2 of 4 stars). 2 submissions from 2 submitters: Uncertain significance (2). Last evaluated 2025-06-07.

Conditions:
Familial cancer of breast. Also called: hereditary breast carcinoma; BREAST CANCER, FAMILIAL; Hereditary breast cancer. Identifiers: Orphanet 227535, MedGen C0346153, MONDO:0016419, OMIM 114480. Disease mechanism: loss of function.
Fanconi anemia complementation group J. Also called: BRIP1-Related Fanconi Anemia. Identifiers: Orphanet 84, MedGen C1836860, MONDO:0012187, OMIM 609054.
Hereditary cancer-predisposing syndrome. Also called: Hereditary Cancer Syndrome; Tumor predisposition; Neoplastic Syndromes, Hereditary; Hereditary neoplastic syndrome. Identifiers: Orphanet 140162, MedGen C0027672, MeSH D009386, MONDO:0015356.

Allele frequency attached by ClinVar (database versions not stated): gnomAD exomes below 0.00001.
gnomAD v4.1: 1 of 1,613,864 alleles (0.000062%); highest among the groups gnomAD compares: Non-Finnish European, 0.000085%; no homozygotes.

Submissions (2):

Labcorp Genetics (formerly Invitae), Labcorp
Classification: Uncertain significance for Familial cancer of breast; Fanconi anemia complementation group J. Last evaluated: 2025-06-07. Review status: criteria provided, single submitter. Criteria: Invitae Variant Classification Sherloc (09022015). Collection method: clinical testing. Allele origin: germline.
Comment: This sequence change replaces isoleucine, which is neutral and non-polar, with valine, which is neutral and non-polar, at codon 170 of the BRIP1 protein (p.Ile170Val). This variant is not present in population databases (gnomAD no frequency). This variant has not been reported in the literature in individuals affected with BRIP1-related conditions. ClinVar contains an entry for this variant (Variation ID: 651459). Invitae Evidence Modeling of protein sequence and biophysical properties (such as structural, functional, and spatial information, amino acid conservation, physicochemical variation, residue mobility, and thermodynamic stability) indicates that this missense variant is not expected to disrupt BRIP1 protein function with a negative predictive value of 95%. In summary, the available evidence is currently insufficient to determine the role of this variant in disease. Therefore, it has been classified as a Variant of Uncertain Significance.

Ambry Genetics
Classification: Uncertain significance for Hereditary cancer-predisposing syndrome. Last evaluated: 2024-03-12. Review status: criteria provided, single submitter. Criteria: Ambry Variant Classification Scheme 2023. Collection method: clinical testing. Allele origin: germline.
Comment: The p.I170V variant (also known as c.508A>G) is located in coding exon 5 of the BRIP1 gene. The isoleucine at codon 170 is replaced by valine, an amino acid with highly similar properties. This change occurs in the first base pair of coding exon 5. This amino acid position is conserved. In addition, this alteration is predicted to be tolerated by in silico analysis. Since supporting evidence is limited at this time, the clinical significance of this alteration remains unclear.

NM_032043.3(BRIP1):c.508A>G (p.Ile170Val)

Gene: BRIP1 (BRCA1 interacting DNA helicase 1; minus strand). Cytogenetic location: 17q23.2.
Variant type: single nucleotide variant.
Coding change: c.508A>G on transcript NM_032043.3 (MANE Select); coding-DNA position 508, A replaced by G.
Protein change: p.Ile170Val; replaces isoleucine 170 with valine.
Molecular consequence: missense variant.
Genome position (GRCh38, 1-based): chr17:61,847,220, T>C on the plus strand (A>G on the coding strand, the complement: BRIP1 is on the minus strand). VCF-style: chr17-61847220-T-C. GRCh37 (hg19) VCF-style: chr17-59924581-T-C.
Other names: short protein forms I170V.
Identifiers: ClinVar variation 651459 (VCV000651459.12), dbSNP rs1603361718, ClinGen allele CA400483473.